The following is an entry in ClinVar:

NM_000038.6(APC):c.8118G>C (p.Val2706=)

Gene: APC (APC regulator of Wnt signaling pathway; plus strand). Cytogenetic location: 5q22.2.
Variant type: single nucleotide variant.
Coding change: c.8118G>C on transcript NM_000038.6 (MANE Select); coding-DNA position 8118, G replaced by C.
Protein change: p.Val2706=; no amino-acid change (valine 2706 retained).
Molecular consequence: synonymous variant.
Genome position (GRCh38, 1-based): chr5:112,843,712, G>C. VCF-style: chr5-112843712-G-C. GRCh37 (hg19) VCF-style: chr5-112179409-G-C.
Other names: c.8118G>C, p.Val2706= (NM_001127510.3, NM_001354895.2); c.8064G>C, p.Val2688= (NM_001127511.3); c.8172G>C, p.Val2724= (NM_001354896.2); c.8148G>C, p.Val2716= (NM_001354897.2); c.8043G>C, p.Val2681= (NM_001354898.2); c.8034G>C, p.Val2678= (NM_001354899.2); c.7995G>C, p.Val2665= (NM_001354900.2); c.7941G>C, p.Val2647= (NM_001354901.2); and 5 more.
Identifiers: ClinVar variation 700256 (VCV000700256.20), dbSNP rs1580690209, ClinGen allele CA446211177.

ClinVar aggregate classification (germline): Benign/Likely benign. Review status: criteria provided, multiple submitters, no conflicts (2 of 4 stars). 5 submissions from 5 submitters: Benign (1); Likely benign (4). Last evaluated 2025-05-31.

Conditions:
Familial adenomatous polyposis 1 (FAP1). Also called: FAMILIAL ADENOMATOUS POLYPOSIS 1, ATTENUATED; POLYPOSIS, ADENOMATOUS INTESTINAL. Identifiers: MedGen C2713442, MONDO:0021056, OMIM 175100. Disease mechanism: loss of function.
Classic or attenuated familial adenomatous polyposis. Identifiers: MedGen CN372698, MONDO:0021057.
Hereditary cancer-predisposing syndrome. Also called: Hereditary Cancer Syndrome; Neoplastic Syndromes, Hereditary; Hereditary neoplastic syndrome; Tumor predisposition. Identifiers: Orphanet 140162, MedGen C0027672, MeSH D009386, MONDO:0015356.

Allele frequency attached by ClinVar (database versions not stated): gnomAD exomes below 0.00001.
gnomAD v4.1: 3 of 1,614,046 alleles (0.00019%); highest among the groups gnomAD compares: Non-Finnish European, 0.00025%; no homozygotes.

Submissions (5):

Labcorp Genetics (formerly Invitae), Labcorp
Classification: Likely benign for Familial adenomatous polyposis 1. Last evaluated: 2025-05-31. Review status: criteria provided, single submitter. Criteria: Invitae Variant Classification Sherloc (09022015). Collection method: clinical testing. Allele origin: germline.

Myriad Genetics, Inc.
Classification: Benign for Familial adenomatous polyposis 1. Last evaluated: 2024-04-12. Review status: criteria provided, single submitter. Criteria: Myriad Autosomal Dominant, Autosomal Recessive and X-Linked Classification Criteria (2023). Collection method: clinical testing. Allele origin: unknown.
Comment: This variant is considered benign. This variant is a silent/synonymous amino acid change and it is not expected to impact splicing.

All of Us Research Program, National Institutes of Health
Classification: Likely benign for Classic or attenuated familial adenomatous polyposis. Last evaluated: 2023-08-28. Review status: criteria provided, single submitter. Criteria: ACMG Guidelines, 2015. Collection method: clinical testing. Allele origin: germline. Inheritance: Autosomal dominant inheritance. Observed: 2 variant alleles, 2 heterozygotes.
Comment: This study involves interpretation of variants in research participants for the purpose of population health screening. Participant phenotype was not available at the time of variant classification. Additional details can be found in publication PMID: 35346344, PMCID: PMC8962531

Color Diagnostics, LLC DBA Color Health
Classification: Likely benign for Hereditary cancer-predisposing syndrome. Last evaluated: 2019-11-21. Review status: criteria provided, single submitter. Criteria: ACMG Guidelines, 2015. Collection method: clinical testing. Allele origin: germline.

Ambry Genetics
Classification: Likely benign for Hereditary cancer-predisposing syndrome. Last evaluated: 2018-05-23. Review status: criteria provided, single submitter. Criteria: Ambry Variant Classification Scheme 2023. Collection method: clinical testing. Allele origin: germline.